The following is an entry in ClinVar:

NM_022552.5(DNMT3A):c.565A>C (p.Thr189Pro)

Gene: DNMT3A (DNA methyltransferase 3 alpha; minus strand). Cytogenetic location: 2p23.3.
Variant type: single nucleotide variant.
Coding change: c.565A>C on transcript NM_022552.5 (MANE Select); coding-DNA position 565, A replaced by C.
Protein change: p.Thr189Pro; replaces threonine 189 with proline.
Molecular consequence: missense variant. On other transcripts: non-coding transcript variant (1).
Genome position (GRCh38, 1-based): chr2:25,275,015, T>G on the plus strand (A>C on the coding strand, the complement: DNMT3A is on the minus strand). VCF-style: chr2-25275015-T-G. GRCh37 (hg19) VCF-style: chr2-25497884-T-G.
Other names: c.565A>C, p.Thr189Pro (NM_175629.2); short protein forms T189P.
Identifiers: ClinVar variation 4759561 (VCV004759561.1).

ClinVar aggregate classification (germline): Uncertain significance (1 of 4 stars; one submission).

Conditions:
Tatton-Brown-Rahman overgrowth syndrome. Also called: Tatton-Brown-Rahman syndrome; Tall stature-intellectual disability-facial dysmorphism syndrome. Identifiers: Orphanet 404443, MedGen C4014545, MONDO:0014382, OMIM 615879.

Submission:

Labcorp Genetics (formerly Invitae), Labcorp
Classification: Uncertain significance for Tatton-Brown-Rahman overgrowth syndrome. Last evaluated: 2025-10-03. Review status: criteria provided, single submitter. Criteria: Invitae Variant Classification Sherloc (09022015). Collection method: clinical testing. Allele origin: germline.
Comment: This sequence change replaces threonine, which is neutral and polar, with proline, which is neutral and non-polar, at codon 189 of the DNMT3A protein (p.Thr189Pro). This variant is not present in population databases (gnomAD no frequency). This variant has not been reported in the literature in individuals affected with DNMT3A-related conditions. Invitae Evidence Modeling of protein sequence and biophysical properties (such as structural, functional, and spatial information, amino acid conservation, physicochemical variation, residue mobility, and thermodynamic stability) indicates that this missense variant is not expected to disrupt DNMT3A protein function with a negative predictive value of 95%. In summary, the available evidence is currently insufficient to determine the role of this variant in disease. Therefore, it has been classified as a Variant of Uncertain Significance.